The following is an entry in ClinVar:

ClinVar aggregate classification (germline): Uncertain significance. Review status: criteria provided, multiple submitters, no conflicts (2 of 4 stars). 2 submissions from 2 submitters: Uncertain significance (2). Last evaluated 2023-03-24.

Allele frequency attached by ClinVar (database versions not stated): gnomAD exomes below 0.00001 and 0.00001; ExAC 0.00001; gnomAD 0.00002; TOPMed 0.00003.
gnomAD v4.1: 6 of 1,613,636 alleles (0.00037%); highest among the groups gnomAD compares: African/African-American, 0.0067%; no homozygotes.

Submissions (2):

Labcorp Genetics (formerly Invitae), Labcorp
Classification: Uncertain significance. Last evaluated: 2023-03-24. Review status: criteria provided, single submitter. Criteria: Invitae Variant Classification Sherloc (09022015). Collection method: clinical testing. Allele origin: germline.
Comment: This sequence change replaces isoleucine, which is neutral and non-polar, with methionine, which is neutral and non-polar, at codon 136 of the MARS2 protein (p.Ile136Met). This variant is present in population databases (rs763108969, gnomAD 0.01%). This variant has not been reported in the literature in individuals affected with MARS2-related conditions. ClinVar contains an entry for this variant (Variation ID: 1385094). Advanced modeling of protein sequence and biophysical properties (such as structural, functional, and spatial information, amino acid conservation, physicochemical variation, residue mobility, and thermodynamic stability) performed at Invitae indicates that this missense variant is not expected to disrupt MARS2 protein function. In summary, the available evidence is currently insufficient to determine the role of this variant in disease. Therefore, it has been classified as a Variant of Uncertain Significance.

GeneDx
Classification: Uncertain significance. Last evaluated: 2022-03-11. Review status: criteria provided, single submitter. Criteria: GeneDx Variant Classification Process June 2021. Collection method: clinical testing. Allele origin: germline. Affected: yes.
Comment: Not observed at significant frequency in large population cohorts (gnomAD); In silico analysis supports that this missense variant does not alter protein structure/function; Has not been previously published as pathogenic or benign to our knowledge

NM_138395.4(MARS2):c.408C>G (p.Ile136Met)

Gene: MARS2 (methionyl-tRNA synthetase 2, mitochondrial; plus strand). Cytogenetic location: 2q33.1.
Variant type: single nucleotide variant.
Coding change: c.408C>G on transcript NM_138395.4 (MANE Select); coding-DNA position 408, C replaced by G.
Protein change: p.Ile136Met; replaces isoleucine 136 with methionine.
Molecular consequence: missense variant.
Genome position (GRCh38, 1-based): chr2:197,705,813, C>G. VCF-style: chr2-197705813-C-G. GRCh37 (hg19) VCF-style: chr2-198570537-C-G.
Other names: short protein forms I136M.
Identifiers: ClinVar variation 1385094 (VCV001385094.9), dbSNP rs763108969, ClinGen allele CA2044569.